The following is an entry in ClinVar:

NM_000090.4(COL3A1):c.1502G>C (p.Gly501Ala)

Gene: COL3A1 (collagen type III alpha 1 chain; plus strand). Cytogenetic location: 2q32.2.
Variant type: single nucleotide variant.
Coding change: c.1502G>C on transcript NM_000090.4 (MANE Select); coding-DNA position 1502, G replaced by C.
Protein change: p.Gly501Ala; replaces glycine 501 with alanine.
Molecular consequence: missense variant.
Genome position (GRCh38, 1-based): chr2:188,995,092, G>C. VCF-style: chr2-188995092-G-C. GRCh37 (hg19) VCF-style: chr2-189859818-G-C.
Other names: short protein forms G501A.
Identifiers: ClinVar variation 4747088 (VCV004747088.1).

ClinVar aggregate classification (germline): Likely pathogenic (1 of 4 stars; one submission).

Conditions:
Ehlers-Danlos syndrome, type 4 (EDSVASC). Also called: Ehlers-Danlos syndrome vascular type; Ehlers Danlos syndrome, ecchymotic type; Ehlers Danlos syndrome, arterial type; Ehlers Danlos syndrome, Sack-Barabas type; Ehlers-Danlos Syndrome Type IV. Identifiers: Orphanet 286, MedGen C0268338, MONDO:0017314, OMIM 130050.

Submission:

Labcorp Genetics (formerly Invitae), Labcorp
Classification: Likely pathogenic for Ehlers-Danlos syndrome, type 4. Last evaluated: 2025-11-12. Review status: criteria provided, single submitter. Criteria: Invitae Variant Classification Sherloc (09022015). Collection method: clinical testing. Allele origin: germline.
Comment: This sequence change replaces glycine, which is neutral and non-polar, with alanine, which is neutral and non-polar, at codon 501 of the COL3A1 protein (p.Gly501Ala). This variant is not present in population databases (gnomAD no frequency). This variant has not been reported in the literature in individuals affected with COL3A1-related conditions. Invitae Evidence Modeling of protein sequence and biophysical properties (such as structural, functional, and spatial information, amino acid conservation, physicochemical variation, residue mobility, and thermodynamic stability) indicates that this missense variant is expected to disrupt COL3A1 protein function with a positive predictive value of 95%. This variant disrupts the triple helix domain of COL3A1. Glycine residues within the Gly-Xaa-Yaa repeats of the triple helix domain are required for the structure and stability of fibrillar collagens (PMID: 7695699, 8218237, 19344236). In COL3A1, variants that affect these glycine residues are significantly enriched in individuals with disease (PMID: 24922459, 25758994) compared to the general population (ExAC). In summary, the currently available evidence indicates that the variant is pathogenic, but additional data are needed to prove that conclusively. Therefore, this variant has been classified as Likely Pathogenic.

Literature cited by the submitters: PubMed 7695699; PubMed 8218237; PubMed 19344236; PubMed 24922459; PubMed 25758994.